The following is an entry in ClinVar:

NM_002677.5(PMP2):c.116C>G (p.Pro39Arg)

Gene: PMP2 (peripheral myelin protein 2; minus strand). Cytogenetic location: 8q21.13.
Variant type: single nucleotide variant.
Coding change: c.116C>G on transcript NM_002677.5 (MANE Select); coding-DNA position 116, C replaced by G.
Protein change: p.Pro39Arg; replaces proline 39 with arginine.
Molecular consequence: missense variant. On other transcripts: intron variant (1).
Genome position (GRCh38, 1-based): chr8:81,444,947, G>C on the plus strand (C>G on the coding strand, the complement: PMP2 is on the minus strand). VCF-style: chr8-81444947-G-C. GRCh37 (hg19) VCF-style: chr8-82357182-G-C.
Other names: c.74-346C>G (NM_001348381.2); short protein forms P39R.
Identifiers: ClinVar variation 1921715 (VCV001921715.5), dbSNP rs766772450, ClinGen allele CA4791977.

ClinVar aggregate classification (germline): Uncertain significance (1 of 4 stars; one submission).

Allele frequency attached by ClinVar (database versions not stated): TOPMed below 0.00001; ExAC 0.00001.
gnomAD v4.1: 21 of 1,613,814 alleles (0.0013%); highest among the groups gnomAD compares: Non-Finnish European, 0.0017%; no homozygotes.

Submission:

Labcorp Genetics (formerly Invitae), Labcorp
Classification: Uncertain significance. Last evaluated: 2025-09-30. Review status: criteria provided, single submitter. Criteria: Invitae Variant Classification Sherloc (09022015). Collection method: clinical testing. Allele origin: germline.
Comment: This sequence change replaces proline, which is neutral and non-polar, with arginine, which is basic and polar, at codon 39 of the PMP2 protein (p.Pro39Arg). This variant is present in population databases (rs766772450, gnomAD 0.002%). This variant has not been reported in the literature in individuals affected with PMP2-related conditions. ClinVar contains an entry for this variant (Variation ID: 1921715). An algorithm developed to predict the effect of missense changes on protein structure and function (PolyPhen-2) suggests that this variant is likely to be disruptive. In summary, the available evidence is currently insufficient to determine the role of this variant in disease. Therefore, it has been classified as a Variant of Uncertain Significance.